The following is an entry in ClinVar:

ClinVar aggregate classification (germline): Benign/Likely benign. Review status: criteria provided, multiple submitters, no conflicts (2 of 4 stars). 7 submissions from 4 submitters: Benign (3); Likely benign (4). Last evaluated 2026-01-22.

Conditions:
Hypogonadotropic hypogonadism 2 with or without anosmia (HH2). Also called: HYPOGONADOTROPIC HYPOGONADISM 2 WITHOUT ANOSMIA; HYPOGONADOTROPIC HYPOGONADISM 2 WITH OR WITHOUT ANOSMIA, SUSCEPTIBILITY TO; HYPOGONADOTROPIC HYPOGONADISM 2 WITHOUT ANOSMIA, SUSCEPTIBILITY TO; FGFR1-Related GnRH Deficiency (Kallmann Syndrome 2). Identifiers: Orphanet 478, MedGen C1563720, MONDO:0007844, OMIM 147950. Disease mechanism: loss of function.
Pfeiffer syndrome (ACS5). Also called: ACS V. Identifiers: Orphanet 710, MedGen C0220658, MONDO:0007043, OMIM 101600.
Craniosynostosis syndrome. Also called: Craniosynostosis. Identifiers: Orphanet 1531, MedGen C0010278, MeSH D003398, MONDO:0015469, HP:0001363.
Trigonocephaly 1 (TRIGNO1). Identifiers: Orphanet 3366, MedGen C0432122, MONDO:0008603, OMIM 190440.
Osteoglophonic dysplasia (OGD). Also called: Osteoglophonic dwarfism. Identifiers: Orphanet 2645, MedGen C0432283, MONDO:0008150, OMIM 166250.

Allele frequency attached by ClinVar (database versions not stated): gnomAD exomes 0.00005 and 0.00008; ExAC 0.00010; ESP Exome Variant Server 0.00016; TOPMed 0.00033; gnomAD 0.00038 and 0.00040; 1000 Genomes Project 0.00040; 1000 Genomes Project 30x 0.00047.
gnomAD v4.1: 139 of 1,607,470 alleles (0.0086%); highest among the groups gnomAD compares: African/African-American, 0.13%; no homozygotes.

Submissions (7):

Labcorp Genetics (formerly Invitae), Labcorp
Classification: Benign for Pfeiffer syndrome; Hypogonadotropic hypogonadism 2 with or without anosmia. Last evaluated: 2026-01-22. Review status: criteria provided, single submitter. Criteria: Invitae Variant Classification Sherloc (09022015). Collection method: clinical testing. Allele origin: germline.

Blueprint Genetics
Classification: Likely benign. Last evaluated: 2024-09-17. Review status: criteria provided, single submitter. Criteria: ACMG Guidelines, 2015. Collection method: clinical testing. Allele origin: germline.

ARUP Laboratories, Molecular Genetics and Genomics, ARUP Laboratories
Classification: Likely benign. Last evaluated: 2023-05-02. Review status: criteria provided, single submitter. Criteria: ARUP Molecular Germline Variant Investigation Process 2024. Collection method: clinical testing. Allele origin: germline.

Illumina Laboratory Services, Illumina
Classification: Likely benign for Hypogonadotropic hypogonadism 2 with or without anosmia. Last evaluated: 2018-01-13. Review status: criteria provided, single submitter. Criteria: ICSL Variant Classification Criteria 13 December 2019. Collection method: clinical testing. Allele origin: germline.
Comment: This variant was observed in the ICSL laboratory as part of a predisposition screen in an ostensibly healthy population. It had not been previously curated by ICSL or reported in the Human Gene Mutation Database (HGMD: prior to June 1st, 2018), and was therefore a candidate for classification through an automated scoring system. Utilizing variant allele frequency, disease prevalence and penetrance estimates, and inheritance mode, an automated score was calculated to assess if this variant is too frequent to cause the disease. Based on the score and internal cut-off values, a variant classified as likely benign is not then subjected to further curation. The score for this variant resulted in a classification of likely benign for this disease.

Illumina Laboratory Services, Illumina
Classification: Benign for Osteoglophonic dysplasia. Last evaluated: 2018-01-13. Review status: criteria provided, single submitter. Criteria: ICSL Variant Classification Criteria 13 December 2019. Collection method: clinical testing. Allele origin: germline.
Comment: This variant was observed in the ICSL laboratory as part of a predisposition screen in an ostensibly healthy population. It had not been previously curated by ICSL or reported in the Human Gene Mutation Database (HGMD: prior to June 1st, 2018), and was therefore a candidate for classification through an automated scoring system. Utilizing variant allele frequency, disease prevalence and penetrance estimates, and inheritance mode, an automated score was calculated to assess if this variant is too frequent to cause the disease. Based on the score and internal cut-off values, a variant classified as benign is not then subjected to further curation. The score for this variant resulted in a classification of benign for this disease.

Illumina Laboratory Services, Illumina
Classification: Benign for Trigonocephaly 1. Last evaluated: 2018-01-13. Review status: criteria provided, single submitter. Criteria: ICSL Variant Classification Criteria 13 December 2019. Collection method: clinical testing. Allele origin: germline.
Comment: the same text as in the submission from Illumina Laboratory Services, Illumina above.

Illumina Laboratory Services, Illumina
Classification: Likely benign for Craniosynostosis. Last evaluated: 2018-01-13. Review status: criteria provided, single submitter. Criteria: ICSL Variant Classification Criteria 13 December 2019. Collection method: clinical testing. Allele origin: germline.
Comment: the same text as in the submission from Illumina Laboratory Services, Illumina above.

NM_023110.3(FGFR1):c.1553-13G>A

Gene: FGFR1 (fibroblast growth factor receptor 1; minus strand). Cytogenetic location: 8p11.23.
Variant type: single nucleotide variant.
Coding change: c.1553-13G>A on transcript NM_023110.3 (MANE Select); 13 bases into the intron before coding-DNA position 1553, G replaced by A.
Molecular consequence: intron variant.
Genome position (GRCh38, 1-based): chr8:38,417,429, C>T on the plus strand (G>A on the coding strand, the complement: FGFR1 is on the minus strand). VCF-style: chr8-38417429-C-T. GRCh37 (hg19) VCF-style: chr8-38274947-C-T.
Other names: c.1274-13G>A (NM_001354368.2); c.1280-13G>A (NM_001354370.2, NM_023106.3); c.1286-13G>A (NM_023105.3, NM_001174066.2); c.1547-13G>A (NM_001354367.2, NM_015850.4, NM_001174063.2 and 1 more transcripts); c.1523-13G>A (NM_001174064.2); c.1541-13G>A (NM_001354369.2); c.1646-13G>A (NM_001174067.2).
Identifiers: ClinVar variation 912047 (VCV000912047.13), dbSNP rs17182414, ClinGen allele CA4718336.